The following is an entry in ClinVar:

ClinVar aggregate classification (germline): Pathogenic. Review status: criteria provided, multiple submitters, no conflicts (2 of 4 stars). 3 submissions from 3 submitters: Pathogenic (3). Last evaluated 2024-10-03.

Conditions:
Usher syndrome type 1F (USH1F). Also called: USHER SYNDROME, TYPE IF. Identifiers: Orphanet 231169, Orphanet 886, MedGen C1865885, MONDO:0011186, OMIM 602083.

Submissions (3):

Dasa
Classification: Pathogenic. Last evaluated: 2024-10-03. Review status: criteria provided, single submitter. Criteria: DASA Assertion Criteria. Collection method: clinical testing. Allele origin: germline.
Comment: NM_001384140.1(PCDH15):c.1863T>G (p.Tyr621*) introduces a premature termination codon predicted to result in loss of normal protein function. Loss-of-function is an established mechanism of disease for this gene. This variant has been reported in individuals with related phenotype. The variant is present at low frequency in population datasets. Based on the available data, this variant is classified as pathogenic.

Labcorp Genetics (formerly Invitae), Labcorp
Classification: Pathogenic. Last evaluated: 2022-08-05. Review status: criteria provided, single submitter. Criteria: Invitae Variant Classification Sherloc (09022015). Collection method: clinical testing. Allele origin: germline.
Comment: This sequence change creates a premature translational stop signal (p.Tyr621*) in the PCDH15 gene. It is expected to result in an absent or disrupted protein product. Loss-of-function variants in PCDH15 are known to be pathogenic (PMID: 11398101, 11487575, 14570705). This variant is not present in population databases (gnomAD no frequency). This variant has not been reported in the literature in individuals affected with PCDH15-related conditions. ClinVar contains an entry for this variant (Variation ID: 802574). For these reasons, this variant has been classified as Pathogenic.

Mendelics
Classification: Pathogenic for Usher syndrome type 1F. Last evaluated: 2019-05-28. Review status: criteria provided, single submitter. Criteria: Mendelics Assertion Criteria 2017. Collection method: clinical testing. Allele origin: unknown.

Literature cited by the submitters: PubMed 11398101 (cited by Labcorp Genetics (formerly Invitae), Labcorp); PubMed 11487575 (cited by Labcorp Genetics (formerly Invitae), Labcorp); PubMed 14570705 (cited by Labcorp Genetics (formerly Invitae), Labcorp).

NM_001384140.1(PCDH15):c.1863T>G (p.Tyr621Ter)

Gene: PCDH15 (protocadherin related 15; minus strand). Cytogenetic location: 10q21.1.
Variant type: single nucleotide variant.
Coding change: c.1863T>G on transcript NM_001384140.1 (MANE Select); coding-DNA position 1863, T replaced by G.
Protein change: p.Tyr621Ter; replaces tyrosine 621 with a stop codon.
Molecular consequence: nonsense. On other transcripts: intron variant (1).
Genome position (GRCh38, 1-based): chr10:54,132,929, A>C on the plus strand (T>G on the coding strand, the complement: PCDH15 is on the minus strand). VCF-style: chr10-54132929-A-C. GRCh37 (hg19) VCF-style: chr10-55892689-A-C.
Other names: c.1878T>G, p.Tyr626Ter (NM_001142763.2, NM_001142771.2); c.1863T>G, p.Tyr621Ter (NM_001142764.2, NM_001142766.2, NM_001142770.3 and 5 more transcripts); c.1752T>G, p.Tyr584Ter (NM_001142767.2); c.1797T>G, p.Tyr599Ter (NM_001142768.2, NM_001142773.2, NM_001354404.2); c.1899T>G, p.Tyr633Ter (NM_001142769.4); c.1884T>G, p.Tyr628Ter (NM_001354411.2); c.1784+20171T>G (NM_001142765.2); short protein forms Y626*, Y628*, Y599*, Y621*, Y584*, Y633*.
Identifiers: ClinVar variation 802574 (VCV000802574.6), dbSNP rs1590691343, ClinGen allele CA376514993.
Genomic context (GRCh38, chr10:54,132,929, plus strand): 5'-ACATACCTGTAGATTTAATAAAACAGCACCAACCCTCATGGCTTCACTAATTTCAAGGCT[A>C]TACATCAGCTGTGGGAAGCGAGGAGGGCTTTGATTATTTGGTGGAAGCACTTCAATATAC-3'